The following is an entry in ClinVar:

NM_014334.4(FRRS1L):c.140G>T (p.Arg47Leu)

Gene: FRRS1L (ferric chelate reductase 1 like; minus strand). Cytogenetic location: 9q31.3.
Variant type: single nucleotide variant.
Coding change: c.140G>T on transcript NM_014334.4 (MANE Select); coding-DNA position 140, G replaced by T.
Protein change: p.Arg47Leu; replaces arginine 47 with leucine.
Molecular consequence: missense variant.
Genome position (GRCh38, 1-based): chr9:109,166,999, C>A on the plus strand (G>T on the coding strand, the complement: FRRS1L is on the minus strand). VCF-style: chr9-109166999-C-A. GRCh37 (hg19) VCF-style: chr9-111929279-C-A.
Other names: short protein forms R47L.
Identifiers: ClinVar variation 575276 (VCV000575276.8), dbSNP rs1352910846, ClinGen allele CA374430424.

ClinVar aggregate classification (germline): Uncertain significance (1 of 4 stars; one submission).

Conditions:
Developmental and epileptic encephalopathy, 37 (DEE37). Also called: Epileptic encephalopathy, early infantile, 37. Identifiers: MedGen C4310770, MONDO:0014859, OMIM 616981.

Allele frequency attached by ClinVar (database versions not stated): TOPMed 0.00001.

Submission:

Labcorp Genetics (formerly Invitae), Labcorp
Classification: Uncertain significance for Developmental and epileptic encephalopathy, 37. Last evaluated: 2022-10-24. Review status: criteria provided, single submitter. Criteria: Invitae Variant Classification Sherloc (09022015). Collection method: clinical testing. Allele origin: germline.
Comment: This sequence change replaces arginine, which is basic and polar, with leucine, which is neutral and non-polar, at codon 98 of the FRRS1L protein (p.Arg98Leu). The frequency data for this variant in the population databases is considered unreliable, as metrics indicate insufficient coverage at this position in the gnomAD database. This variant has not been reported in the literature in individuals affected with FRRS1L-related conditions. ClinVar contains an entry for this variant (Variation ID: 575276). Algorithms developed to predict the effect of missense changes on protein structure and function are either unavailable or do not agree on the potential impact of this missense change (SIFT: "Deleterious"; PolyPhen-2: "Benign"; Align-GVGD: "Class C0"). In summary, the available evidence is currently insufficient to determine the role of this variant in disease. Therefore, it has been classified as a Variant of Uncertain Significance.